The following is an entry in ClinVar:

NM_006206.6(PDGFRA):c.1580T>C (p.Val527Ala)

Gene: PDGFRA (platelet derived growth factor receptor alpha; plus strand). Cytogenetic location: 4q12.
Variant type: single nucleotide variant.
Coding change: c.1580T>C on transcript NM_006206.6 (MANE Select); coding-DNA position 1580, T replaced by C.
Protein change: p.Val527Ala; replaces valine 527 with alanine.
Molecular consequence: missense variant.
Genome position (GRCh38, 1-based): chr4:54,274,552, T>C. VCF-style: chr4-54274552-T-C. GRCh37 (hg19) VCF-style: chr4-55140719-T-C.
Other names: c.1580T>C, p.Val527Ala (NM_001347827.2, NM_001347829.2); c.1655T>C, p.Val552Ala (NM_001347828.2); c.1619T>C, p.Val540Ala (NM_001347830.2); short protein forms V527A, V540A, V552A.
Identifiers: ClinVar variation 528559 (VCV000528559.38), dbSNP rs1294452177, ClinGen allele CA356892863.

ClinVar aggregate classification (germline): Uncertain significance. Review status: criteria provided, multiple submitters, no conflicts (2 of 4 stars). 5 submissions from 5 submitters: Uncertain significance (5). Last evaluated 2026-01-26.

Conditions:
Polyps, multiple and recurrent inflammatory fibroid, gastrointestinal. Identifiers: MedGen C5193005, MONDO:0008285, OMIM 175510.
Hereditary cancer-predisposing syndrome. Also called: Neoplastic Syndromes, Hereditary; Hereditary Cancer Syndrome; Tumor predisposition; Hereditary neoplastic syndrome. Identifiers: Orphanet 140162, MedGen C0027672, MeSH D009386, MONDO:0015356.
Gastrointestinal stromal tumor. Also called: Gastrointestinal stromal tumor, somatic; Gastrointestinal stroma tumor. Identifiers: Orphanet 44890, MedGen C0238198, MeSH D046152, MONDO:0011719, OMIM 606764, HP:0100723.

Allele frequency attached by ClinVar (database versions not stated): gnomAD exomes below 0.00001 and 0.00001; gnomAD 0.00001; TOPMed 0.00002.
gnomAD v4.1: 6 of 1,613,802 alleles (0.00037%); highest among the groups gnomAD compares: Non-Finnish European, 0.00051%; no homozygotes.

Submissions (5):

Labcorp Genetics (formerly Invitae), Labcorp
Classification: Uncertain significance for Gastrointestinal stromal tumor. Last evaluated: 2026-01-26. Review status: criteria provided, single submitter. Criteria: Invitae Variant Classification Sherloc (09022015). Collection method: clinical testing. Allele origin: germline.
Comment: This sequence change replaces valine, which is neutral and non-polar, with alanine, which is neutral and non-polar, at codon 527 of the PDGFRA protein (p.Val527Ala). This variant is present in population databases (no rsID available, gnomAD 0.0009%). This variant has not been reported in the literature in individuals affected with PDGFRA-related conditions. ClinVar contains an entry for this variant (Variation ID: 528559). Invitae Evidence Modeling of protein sequence and biophysical properties (such as structural, functional, and spatial information, amino acid conservation, physicochemical variation, residue mobility, and thermodynamic stability) indicates that this missense variant is not expected to disrupt PDGFRA protein function with a negative predictive value of 80%. In summary, the available evidence is currently insufficient to determine the role of this variant in disease. Therefore, it has been classified as a Variant of Uncertain Significance.

Ambry Genetics
Classification: Uncertain significance for Hereditary cancer-predisposing syndrome. Last evaluated: 2025-10-30. Review status: criteria provided, single submitter. Criteria: Ambry Variant Classification Scheme 2023. Collection method: clinical testing. Allele origin: germline.
Comment: The p.V527A variant (also known as c.1580T>C), located in coding exon 10 of the PDGFRA gene, results from a T to C substitution at nucleotide position 1580. The valine at codon 527 is replaced by alanine, an amino acid with similar properties. This amino acid position is highly conserved in available vertebrate species. In addition, this alteration is predicted to be deleterious by in silico analysis. Since supporting evidence is limited at this time, the clinical significance of this alteration remains unclear.

Baylor Genetics
Classification: Uncertain significance for Polyps, multiple and recurrent inflammatory fibroid, gastrointestinal. Last evaluated: 2024-02-07. Review status: criteria provided, single submitter. Criteria: ACMG Guidelines, 2015. Collection method: clinical testing. Allele origin: unknown.

GeneDx
Classification: Uncertain significance. Last evaluated: 2023-08-01. Review status: criteria provided, single submitter. Criteria: GeneDx Variant Classification Process June 2021. Collection method: clinical testing. Allele origin: germline. Affected: yes.
Comment: Not observed at significant frequency in large population cohorts (gnomAD); In silico analysis supports that this missense variant does not alter protein structure/function; Has not been previously published as pathogenic or benign to our knowledge; This variant is associated with the following publications: (PMID: 23462807, 29792121)

CeGaT Center for Human Genetics Tuebingen
Classification: Uncertain significance. Last evaluated: 2023-04-01. Review status: criteria provided, single submitter. Criteria: CeGaT Center For Human Genetics Tuebingen Variant Classification Criteria Version 2. Collection method: clinical testing. Allele origin: germline. Affected: yes. Observed: 1 variant allele.